The following is an entry in ClinVar:

NM_001032283.3(TMPO):c.565+2044G>T

Gene: TMPO (thymopoietin; plus strand). Cytogenetic location: 12q23.1.
Variant type: single nucleotide variant.
Coding change: c.565+2044G>T on transcript NM_001032283.3 (MANE Select); 2044 bases into the intron after coding-DNA position 565, G replaced by T.
Molecular consequence: intron variant. On other transcripts: missense variant (1).
Genome position (GRCh38, 1-based): chr12:98,533,882, G>T. VCF-style: chr12-98533882-G-T. GRCh37 (hg19) VCF-style: chr12-98927660-G-T.
Other names: c.1625G>T, p.Gly542Val (NM_003276.2); c.565+2044G>T (NM_001307975.2, NM_001032284.3); short protein forms G542V.
Identifiers: ClinVar variation 2788895 (VCV002788895.4), dbSNP rs530601901, ClinGen allele CA6732447.

ClinVar aggregate classification (germline): Uncertain significance. Review status: criteria provided, multiple submitters, no conflicts (2 of 4 stars). 2 submissions from 2 submitters: Uncertain significance (2). Last evaluated 2023-10-19.

Conditions:
Loeys-Dietz syndrome 2 (LDS2). Also called: TGFBR2-Related Loeys-Dietz Syndrome; Marfan syndrome, type 2 (formerly); AORTIC ANEURYSM, FAMILIAL THORACIC 3; MARFAN SYNDROME, TYPE II; Marfan Syndrome type 2; Marfan like connective tissue disorder. Identifiers: Orphanet 284973, Orphanet 558, MedGen C2674574, MONDO:0012427, OMIM 610168.

Allele frequency attached by ClinVar (database versions not stated): 1000 Genomes Project 30x 0.00016; 1000 Genomes Project 0.00020.

Submissions (2):

Ambry Genetics
Classification: Uncertain significance. Last evaluated: 2023-10-19. Review status: criteria provided, single submitter. Criteria: Ambry Variant Classification Scheme 2023. Collection method: clinical testing. Allele origin: germline.
Comment: The p.G542V variant (also known as c.1625G>T), located in coding exon 4 of the TMPO gene, results from a G to T substitution at nucleotide position 1625. The glycine at codon 542 is replaced by valine, an amino acid with dissimilar properties. This amino acid position is conserved. In addition, this alteration is predicted to be tolerated by in silico analysis. Since supporting evidence is limited at this time, the clinical significance of this alteration remains unclear.

Labcorp Genetics (formerly Invitae), Labcorp
Classification: Uncertain significance for Loeys-Dietz syndrome 2. Last evaluated: 2023-03-20. Review status: criteria provided, single submitter. Criteria: Invitae Variant Classification Sherloc (09022015). Collection method: clinical testing. Allele origin: germline.
Comment: In summary, the available evidence is currently insufficient to determine the role of this variant in disease. Therefore, it has been classified as a Variant of Uncertain Significance. Advanced modeling of protein sequence and biophysical properties (such as structural, functional, and spatial information, amino acid conservation, physicochemical variation, residue mobility, and thermodynamic stability) performed at Invitae indicates that this missense variant is not expected to disrupt TMPO protein function. This variant has not been reported in the literature in individuals affected with TMPO-related conditions. The frequency data for this variant in the population databases is considered unreliable, as metrics indicate poor data quality at this position in the gnomAD database. This sequence change replaces glycine, which is neutral and non-polar, with valine, which is neutral and non-polar, at codon 542 of the TMPO protein (p.Gly542Val).